The following is an entry in ClinVar:

NM_017617.5(NOTCH1):c.3266G>A (p.Trp1089Ter)

Gene: NOTCH1 (notch receptor 1; minus strand). Cytogenetic location: 9q34.3.
Variant type: single nucleotide variant.
Coding change: c.3266G>A on transcript NM_017617.5 (MANE Select); coding-DNA position 3266, G replaced by A.
Protein change: p.Trp1089Ter; replaces tryptophan 1089 with a stop codon.
Molecular consequence: nonsense.
Genome position (GRCh38, 1-based): chr9:136,508,291, C>T on the plus strand (G>A on the coding strand, the complement: NOTCH1 is on the minus strand). VCF-style: chr9-136508291-C-T. GRCh37 (hg19) VCF-style: chr9-139402743-C-T.
Other names: c.3266G>A, p.Trp1089Ter (LRG_1122t1); short protein forms W1089*.
Identifiers: ClinVar variation 544179 (VCV000544179.6), dbSNP rs1554728428, ClinGen allele CA375552057.
Genomic context (GRCh38, chr9:136,508,291, plus strand): 5'-CCTTGTCGCTGCGCAGCCACCTCACAGGACACGCTGGGCACGTCGCAGTAAAGGCCGGTC[C>T]AGCCGCTGGGGCACTCGCAGCGGTACTGGGTGTGGGTCTGCCAGCATTTGCCGCCGTTCT-3'

ClinVar aggregate classification (germline): Pathogenic (1 of 4 stars; one submission).

Conditions:
Adams-Oliver syndrome 5 (AOS5). Identifiers: Orphanet 974, MedGen C4014970, MONDO:0014459, OMIM 616028.

Submission:

Labcorp Genetics (formerly Invitae), Labcorp
Classification: Pathogenic for Adams-Oliver syndrome 5. Last evaluated: 2017-10-24. Review status: criteria provided, single submitter. Criteria: Invitae Variant Classification Sherloc (09022015). Collection method: clinical testing. Allele origin: germline.
Comment: For these reasons, this variant has been classified as Pathogenic. Loss-of-function variants in NOTCH1 are known to be pathogenic (PMID: 16025100, 21457232, 25132448, 25963545). This variant has not been reported in the literature in individuals with NOTCH1-related disease. This variant is not present in population databases (ExAC no frequency). This sequence change creates a premature translational stop signal (p.Trp1089*) in the NOTCH1 gene. It is expected to result in an absent or disrupted protein product.

Literature cited by the submitters: PubMed 16025100; PubMed 21457232; PubMed 25132448; PubMed 25963545.